The following is an entry in ClinVar:

NM_001430.5(EPAS1):c.1648C>T (p.Arg550Trp)

Gene: EPAS1 (endothelial PAS domain protein 1; plus strand). Cytogenetic location: 2p21.
Variant type: single nucleotide variant.
Coding change: c.1648C>T on transcript NM_001430.5 (MANE Select); coding-DNA position 1648, C replaced by T.
Protein change: p.Arg550Trp; replaces arginine 550 with tryptophan.
Molecular consequence: missense variant.
Genome position (GRCh38, 1-based): chr2:46,380,320, C>T. VCF-style: chr2-46380320-C-T. GRCh37 (hg19) VCF-style: chr2-46607459-C-T.
Other names: short protein forms R550W.
Identifiers: ClinVar variation 1777191 (VCV001777191.7), dbSNP rs771840848, ClinGen allele CA1645072.

ClinVar aggregate classification (germline): Uncertain significance. Review status: criteria provided, multiple submitters, no conflicts (2 of 4 stars). 2 submissions from 2 submitters: Uncertain significance (2). Last evaluated 2025-03-04.

Conditions:
Inborn genetic diseases. Identifiers: MedGen C0950123, MeSH D030342.

Allele frequency attached by ClinVar (database versions not stated): gnomAD exomes below 0.00001; ExAC 0.00001.
gnomAD v4.1: 7 of 1,614,138 alleles (0.00043%); highest among the groups gnomAD compares: Admixed American, 0.0017%; no homozygotes.

Submissions (2):

Center for Genomic Medicine, Rigshospitalet, Copenhagen University Hospital
Classification: Uncertain significance. Last evaluated: 2025-03-04. Review status: criteria provided, single submitter. Criteria: ACMG Guidelines, 2015. Collection method: clinical testing. Allele origin: germline.

Ambry Genetics
Classification: Uncertain significance for Inborn genetic diseases. Last evaluated: 2023-10-15. Review status: criteria provided, single submitter. Criteria: Ambry Variant Classification Scheme 2023. Collection method: clinical testing. Allele origin: germline.
Comment: The p.R550W variant (also known as c.1648C>T), located in coding exon 12 of the EPAS1 gene, results from a C to T substitution at nucleotide position 1648. The arginine at codon 550 is replaced by tryptophan, an amino acid with dissimilar properties. This amino acid position is conserved. In addition, this alteration is predicted to be tolerated by in silico analysis. Since supporting evidence is limited at this time, the clinical significance of this alteration remains unclear.